The following is an entry in ClinVar:

ClinVar aggregate classification (germline): Pathogenic. Review status: criteria provided, multiple submitters, no conflicts (2 of 4 stars). 2 submissions from 2 submitters: Pathogenic (2). Last evaluated 2025-04-01.

Conditions:
Retinitis pigmentosa (RP). Identifiers: Orphanet 791, MedGen C0035334, MeSH D012174, MONDO:0019200, OMIM 268000. Inheritance: Autosomal dominant, autosomal recessive and X linked inheritance.

Submissions (2):

CeGaT Center for Human Genetics Tuebingen
Classification: Pathogenic. Last evaluated: 2025-04-01. Review status: criteria provided, single submitter. Criteria: CeGaT Center For Human Genetics Tuebingen Variant Classification Criteria Version 2. Collection method: clinical testing. Allele origin: germline. Affected: yes. Observed: 1 variant allele.
Comment: EYS: PVS1, PM2, PM3:Supporting

Molecular Genetics Laboratory, Institute for Ophthalmic Research
Classification: Pathogenic for Retinitis pigmentosa. Last evaluated: 2020-01-09. Review status: criteria provided, single submitter. Criteria: ACMG Guidelines, 2015. Collection method: research. Allele origin: germline. Affected: yes.

NM_001142800.2(EYS):c.2420del (p.Ser807fs)

Gene: EYS (EGF-like photoreceptor maintenance factor; minus strand). Cytogenetic location: 6q12.
Variant type: Deletion.
Coding change: c.2420del on transcript NM_001142800.2 (MANE Select); coding-DNA position 2420, one base deleted (G; older notation c.2420delG).
Protein change: p.Ser807fs; shifts the reading frame from serine 807.
Molecular consequence: frameshift variant.
Genome position (GRCh38, 1-based): chr6:64,912,705, C deleted on the plus strand (G on the coding strand, the reverse complement: EYS is on the minus strand). VCF-style (leftmost placement, unchanged base first): chr6-64912704-AC-A. GRCh37 (hg19) VCF-style: chr6-65622597-AC-A.
Other names: c.2420del, p.Ser807fs (NM_001292009.2); short protein forms S807fs.
Identifiers: ClinVar variation 813175 (VCV000813175.8), dbSNP rs1768038999, ClinGen allele CA1139659662.